The following is an entry in ClinVar:

ClinVar aggregate classification (germline): Likely benign (0 of 4 stars; one submission).

Conditions:
EPHX2-related disorder. Also called: EPHX2-related condition.

Allele frequency attached by ClinVar (database versions not stated): ESP Exome Variant Server 0.00008; gnomAD 0.00024; gnomAD exomes 0.00038; TOPMed 0.00078; ExAC 0.00134.
gnomAD v4.1: 574 of 1,614,002 alleles (0.036%); highest among the groups gnomAD compares: Admixed American, 0.84%; 4 homozygotes.

Submission:

PreventionGenetics, part of Exact Sciences
Classification: Likely benign for EPHX2-related condition. Last evaluated: 2020-01-03. Review status: no assertion criteria provided. Collection method: clinical testing. Allele origin: germline.
Comment: This variant is classified as likely benign based on ACMG/AMP sequence variant interpretation guidelines (Richards et al. 2015 PMID: 25741868, with internal and published modifications).

NM_001979.6(EPHX2):c.674C>T (p.Pro225Leu)

Gene: EPHX2 (epoxide hydrolase 2; plus strand). Cytogenetic location: 8p21.1.
Variant type: single nucleotide variant.
Coding change: c.674C>T on transcript NM_001979.6 (MANE Select); coding-DNA position 674, C replaced by T.
Protein change: p.Pro225Leu; replaces proline 225 with leucine.
Molecular consequence: missense variant. On other transcripts: non-coding transcript variant (3).
Genome position (GRCh38, 1-based): chr8:27,511,849, C>T. VCF-style: chr8-27511849-C-T. GRCh37 (hg19) VCF-style: chr8-27369366-C-T.
Other names: c.515C>T, p.Pro172Leu (NM_001256482.2, NM_001256484.2); c.476C>T, p.Pro159Leu (NM_001256483.2); c.674C>T, p.Pro225Leu (NM_001414016.1, NM_001414017.1, NM_001414018.1 and 2 more transcripts); c.551C>T, p.Pro184Leu (NM_001414020.1); short protein forms P225L, P159L, P172L, P184L.
Identifiers: ClinVar variation 3043879 (VCV003043879.2), dbSNP rs72475821, ClinGen allele CA4690093.